The following is an entry in ClinVar:

ClinVar aggregate classification (germline): Uncertain significance (1 of 4 stars; one submission).

Submission:

GeneDx
Classification: Uncertain significance. Last evaluated: 2019-11-08. Review status: criteria provided, single submitter. Criteria: GeneDx Variant Classification Process June 2021. Collection method: clinical testing. Allele origin: germline. Affected: yes.
Comment: Not observed in large population cohorts (Lek et al., 2016); In silico analysis, which includes protein predictors and evolutionary conservation, supports that this variant does not alter protein structure/function; Has not been previously published as pathogenic or benign to our knowledge

NM_001370100.5(ZMYND11):c.130G>A (p.Val44Ile)

Gene: ZMYND11 (zinc finger MYND-type containing 11; plus strand). Cytogenetic location: 10p15.3.
Variant type: single nucleotide variant.
Coding change: c.130G>A on transcript NM_001370100.5 (MANE Select); coding-DNA position 130, G replaced by A.
Protein change: p.Val44Ile; replaces valine 44 with isoleucine.
Molecular consequence: missense variant. On other transcripts: non-coding transcript variant (1), intron variant (1).
Genome position (GRCh38, 1-based): chr10:209,902, G>A. VCF-style: chr10-209902-G-A. GRCh37 (hg19) VCF-style: chr10-255842-G-A.
Other names: c.130G>A, p.Val44Ile (NM_001202464.3, NM_001202465.3, NM_001202466.3 and 24 more transcripts); c.79G>A, p.Val27Ile (NM_001330057.3, NM_001370112.2, NM_001370123.2); c.64G>A, p.Val22Ile (NM_001370116.2, NM_001370120.2); c.10G>A, p.Val4Ile (NM_001370118.2, NM_001370121.2); c.-33-26936G>A (NM_001370124.3); short protein forms V22I, V27I, V44I, V4I.
Identifiers: ClinVar variation 1310029 (VCV001310029.2), dbSNP rs2131267981, ClinGen allele CA375841818.